The following is an entry in ClinVar:

NM_170606.3(KMT2C):c.5309C>T (p.Thr1770Ile)

Gene: KMT2C (lysine methyltransferase 2C; minus strand). Cytogenetic location: 7q36.1.
Variant type: single nucleotide variant.
Coding change: c.5309C>T on transcript NM_170606.3 (MANE Select); coding-DNA position 5309, C replaced by T.
Protein change: p.Thr1770Ile; replaces threonine 1770 with isoleucine.
Molecular consequence: missense variant.
Genome position (GRCh38, 1-based): chr7:152,182,551, G>A on the plus strand (C>T on the coding strand, the complement: KMT2C is on the minus strand). VCF-style: chr7-152182551-G-A. GRCh37 (hg19) VCF-style: chr7-151879636-G-A.
Other names: short protein forms T1770I.
Identifiers: ClinVar variation 4056564 (VCV004056564.1).

ClinVar aggregate classification (germline): Uncertain significance (1 of 4 stars; one submission).

Conditions:
Kleefstra syndrome 2 (KLEFS2). Identifiers: MedGen C4540395, MONDO:0054701, OMIM 617768.

gnomAD v4.1: 1 of 1,599,552 alleles (0.000063%); highest among the groups gnomAD compares: Non-Finnish European, 0.000085%; no homozygotes.

Submission:

Laboratorio de Genetica e Diagnostico Molecular, Hospital Israelita Albert Einstein
Classification: Uncertain significance for Kleefstra syndrome 2. Last evaluated: 2023-01-24. Review status: criteria provided, single submitter. Criteria: ACMG Guidelines, 2015. Collection method: clinical testing. Allele origin: germline. Affected: yes.
Comment: ACMG classification criteria: PM2 moderate